The following is an entry in ClinVar:

ClinVar aggregate classification (germline): Uncertain significance. Review status: criteria provided, multiple submitters, no conflicts (2 of 4 stars). 2 submissions from 2 submitters: Uncertain significance (2). Last evaluated 2024-11-21.

Conditions:
Inborn genetic diseases. Identifiers: MedGen C0950123, MeSH D030342.

Allele frequency attached by ClinVar (database versions not stated): gnomAD exomes below 0.00001; TOPMed below 0.00001; gnomAD 0.00001.
gnomAD v4.1: 7 of 1,613,356 alleles (0.00043%); highest among the groups gnomAD compares: Admixed American, 0.0017%; no homozygotes.

Submissions (2):

Ambry Genetics
Classification: Uncertain significance for Inborn genetic diseases. Last evaluated: 2024-11-21. Review status: criteria provided, single submitter. Criteria: Ambry Variant Classification Scheme 2023. Collection method: clinical testing. Allele origin: germline.

Women's Health and Genetics/Laboratory Corporation of America, LabCorp
Classification: Uncertain significance. Last evaluated: 2023-12-14. Review status: criteria provided, single submitter. Criteria: LabCorp Variant Classification Summary - May 2015. Collection method: clinical testing. Allele origin: germline.
Comment: Variant summary: VWF c.4642G>A (p.Val1548Met) results in a conservative amino acid change located in the von Willebrand factor, type A domain (IPR002035) of the encoded protein sequence. Five of five in-silico tools predict a benign effect of the variant on protein function. The variant allele was found at a frequency of 4e-06 in 250646 control chromosomes (gnomAD). The available data on variant occurrences in the general population are insufficient to allow any conclusion about variant significance. To our knowledge, no occurrence of c.4642G>A in individuals affected with Von Willebrand Disease and no experimental evidence demonstrating its impact on protein function have been reported. No submitters have cited clinical-significance assessments for this variant to ClinVar after 2014. Based on the evidence outlined above, the variant was classified as uncertain significance.

NM_000552.5(VWF):c.4642G>A (p.Val1548Met)

Gene: VWF (von Willebrand factor; minus strand). Cytogenetic location: 12p13.31.
Variant type: single nucleotide variant.
Coding change: c.4642G>A on transcript NM_000552.5 (MANE Select); coding-DNA position 4642, G replaced by A.
Protein change: p.Val1548Met; replaces valine 1548 with methionine.
Molecular consequence: missense variant.
Genome position (GRCh38, 1-based): chr12:6,018,776, C>T on the plus strand (G>A on the coding strand, the complement: VWF is on the minus strand). VCF-style: chr12-6018776-C-T. GRCh37 (hg19) VCF-style: chr12-6127942-C-T.
Other names: c.4642G>A (NM_000552.3); short protein forms V1548M.
Identifiers: ClinVar variation 2691689 (VCV002691689.2), dbSNP rs1236558845, ClinGen allele CA383500540.